The following is an entry in ClinVar:

NM_012154.5(AGO2):c.2295T>G (p.Tyr765Ter)

Gene: AGO2 (argonaute RISC catalytic component 2; minus strand). Cytogenetic location: 8q24.3.
Variant type: single nucleotide variant.
Coding change: c.2295T>G on transcript NM_012154.5 (MANE Select); coding-DNA position 2295, T replaced by G.
Protein change: p.Tyr765Ter; replaces tyrosine 765 with a stop codon.
Molecular consequence: nonsense.
Genome position (GRCh38, 1-based): chr8:140,532,592, A>C on the plus strand (T>G on the coding strand, the complement: AGO2 is on the minus strand). VCF-style: chr8-140532592-A-C. GRCh37 (hg19) VCF-style: chr8-141542691-A-C.
Other names: c.2193T>G, p.Tyr731Ter (NM_001164623.3); short protein forms Y731*, Y765*.
Identifiers: ClinVar variation 2398755 (VCV002398755.2), dbSNP rs2540672575, ClinGen allele CA372331301.

ClinVar aggregate classification (germline): Uncertain significance (1 of 4 stars; one submission).

Conditions:
Inborn genetic diseases. Identifiers: MedGen C0950123, MeSH D030342.

Submission:

Ambry Genetics
Classification: Uncertain significance for Inborn genetic diseases. Last evaluated: 2021-09-27. Review status: criteria provided, single submitter. Criteria: Ambry Variant Classification Scheme 2023. Collection method: clinical testing. Allele origin: germline.
Comment: The c.2295T>G (p.Y765*) alteration, located in exon 18 (coding exon 18) of the AGO2 gene, consists of a T to G substitution at nucleotide position 2295. This changes the amino acid from a tyrosine (Y) to a stop codon at amino acid position 765. This alteration is expected to result in premature protein truncation or nonsense-mediated mRNA decay. However, loss of function of AGO2 has not been clearly established as a mechanism of disease. This variant was not reported in population-based cohorts in the Genome Aggregation Database (gnomAD). Based on insufficient or conflicting evidence, the clinical significance of this alteration remains unclear.